The following is an entry in ClinVar:

NM_014030.4(GIT1):c.2151G>A (p.Arg717=)

Genes: GIT1 (GIT ArfGAP 1; minus strand), TP53I13 (tumor protein p53 inducible protein 13; plus strand). Cytogenetic location: 17q11.2.
Variant type: single nucleotide variant.
Coding change: c.2151G>A on transcript NM_014030.4 (MANE Select); coding-DNA position 2151, G replaced by A.
Protein change: p.Arg717=; no amino-acid change (arginine 717 retained).
Molecular consequence: synonymous variant.
Genome position (GRCh38, 1-based): chr17:29,574,837, C>T on the plus strand (G>A on the coding strand, the complement: GIT1 is on the minus strand). VCF-style: chr17-29574837-C-T. GRCh37 (hg19) VCF-style: chr17-27901855-C-T.
Other names: c.2178G>A, p.Arg726= (NM_001085454.2).
Identifiers: ClinVar variation 3050178 (VCV003050178.2), dbSNP rs201810676, ClinGen allele CA8475756.
Genomic context (GRCh38, chr17:29,574,837, plus strand): 5'-CACCTGCTGAGTCAGCAGCTGGAAGTCCACTGGGGCGCCGGGCTCTGGGGGCACTGTCTT[C>T]CGGCACTCACTCTGCAGCCGGTAGGCGCTGGCGTTGAGCAGCCGCAGTGAGCTCCGCACT-3'
Protein context (NP_054749.2, residues 707-727): ASAYRLQSEC[Arg717=]KTVPPEPGAP

ClinVar aggregate classification (germline): Likely benign (0 of 4 stars; one submission).

Conditions:
GIT1-related disorder. Also called: GIT1-related condition.

Allele frequency attached by ClinVar (database versions not stated): gnomAD exomes 0.00005; ExAC 0.00026; 1000 Genomes Project 30x 0.00031; 1000 Genomes Project 0.00040.
gnomAD v4.1: 105 of 1,606,860 alleles (0.0065%); highest among the groups gnomAD compares: East Asian, 0.19%; no homozygotes.

Submission:

PreventionGenetics, part of Exact Sciences
Classification: Likely benign for GIT1-related condition. Last evaluated: 2019-07-12. Review status: no assertion criteria provided. Collection method: clinical testing. Allele origin: germline.
Comment: This variant is classified as likely benign based on ACMG/AMP sequence variant interpretation guidelines (Richards et al. 2015 PMID: 25741868, with internal and published modifications).